The following is an entry in ClinVar:

NM_000302.4(PLOD1):c.535G>C (p.Asp179His)

Gene: PLOD1 (procollagen-lysine,2-oxoglutarate 5-dioxygenase 1; plus strand). Cytogenetic location: 1p36.22.
Variant type: single nucleotide variant.
Coding change: c.535G>C on transcript NM_000302.4 (MANE Select); coding-DNA position 535, G replaced by C.
Protein change: p.Asp179His; replaces aspartic acid 179 with histidine.
Molecular consequence: missense variant.
Genome position (GRCh38, 1-based): chr1:11,952,691, G>C. VCF-style: chr1-11952691-G-C. GRCh37 (hg19) VCF-style: chr1-12012748-G-C.
Other names: c.676G>C, p.Asp226His (NM_001316320.2); short protein forms D179H, D226H.
Identifiers: ClinVar variation 1051722 (VCV001051722.14), dbSNP rs188165334, ClinGen allele CA597934.

ClinVar aggregate classification (germline): Uncertain significance. Review status: criteria provided, multiple submitters, no conflicts (2 of 4 stars). 4 submissions from 4 submitters: Uncertain significance (4). Last evaluated 2025-12-03.

Conditions:
Familial thoracic aortic aneurysm and aortic dissection (TAAD). Also called: Thoracic aortic aneurysms and dissections. Identifiers: Orphanet 91387, MedGen C4707243, MONDO:0019625.
Ehlers-Danlos syndrome, kyphoscoliotic type 1 (EDSKSCL1). Also called: EHLERS-DANLOS SYNDROME, TYPE VIA; EHLERS-DANLOS SYNDROME, OCULAR-SCOLIOTIC TYPE; Ehlers-Danlos syndrome, hydroxylysine-deficient; PLOD1-Related Kyphoscoliotic Ehlers-Danlos Syndrome. Identifiers: Orphanet 1900, MedGen C0268342, MONDO:0016002, OMIM 225400. Disease mechanism: loss of function.

gnomAD v4.1: 14 of 1,613,912 alleles (0.00087%); highest among the groups gnomAD compares: Admixed American, 0.0083%; no homozygotes.

Submissions (4):

Women's Health and Genetics/Laboratory Corporation of America, LabCorp
Classification: Uncertain significance. Last evaluated: 2025-12-03. Review status: criteria provided, single submitter. Criteria: LabCorp Variant Classification Summary - May 2015. Collection method: clinical testing. Allele origin: germline.
Comment: Variant summary: PLOD1 c.535G>C (p.Asp179His) results in a non-conservative amino acid change in the encoded protein sequence. Algorithms developed to predict the effect of missense changes on protein structure and function are either unavailable or do not agree on the potential impact of this missense change. The variant allele was found at a frequency of 2.8e-05 in 251410 control chromosomes. The available data on variant occurrences in the general population are insufficient to allow any conclusion about variant significance. To our knowledge, no occurrence of c.535G>C in individuals affected with PLOD1-related conditions and no experimental evidence demonstrating its impact on protein function have been reported. ClinVar contains an entry for this variant (Variation ID: 1051722). Based on the evidence outlined above, the variant was classified as uncertain significance.

Ambry Genetics
Classification: Uncertain significance for Familial thoracic aortic aneurysm and aortic dissection. Last evaluated: 2025-11-20. Review status: criteria provided, single submitter. Criteria: Ambry Variant Classification Scheme 2023. Collection method: clinical testing. Allele origin: germline.

GeneDx
Classification: Uncertain significance. Last evaluated: 2023-10-20. Review status: criteria provided, single submitter. Criteria: GeneDx Variant Classification Process June 2021. Collection method: clinical testing. Allele origin: germline. Affected: yes.
Comment: Not observed at significant frequency in large population cohorts (gnomAD); In silico analysis supports that this missense variant has a deleterious effect on protein structure/function; Has not been previously published as pathogenic or benign to our knowledge

Labcorp Genetics (formerly Invitae), Labcorp
Classification: Uncertain significance for Ehlers-Danlos syndrome, kyphoscoliotic type 1. Last evaluated: 2022-08-19. Review status: criteria provided, single submitter. Criteria: Invitae Variant Classification Sherloc (09022015). Collection method: clinical testing. Allele origin: germline.
Comment: This sequence change replaces aspartic acid, which is acidic and polar, with histidine, which is basic and polar, at codon 179 of the PLOD1 protein (p.Asp179His). This variant is present in population databases (rs188165334, gnomAD 0.01%). This variant has not been reported in the literature in individuals affected with PLOD1-related conditions. ClinVar contains an entry for this variant (Variation ID: 1051722). Algorithms developed to predict the effect of missense changes on protein structure and function (SIFT, PolyPhen-2, Align-GVGD) all suggest that this variant is likely to be disruptive. In summary, the available evidence is currently insufficient to determine the role of this variant in disease. Therefore, it has been classified as a Variant of Uncertain Significance.